The following is an entry in ClinVar:

NM_004519.4(KCNQ3):c.354_355delinsAA (p.Pro118_Arg119=)

Gene: KCNQ3 (potassium voltage-gated channel subfamily Q member 3; minus strand). Cytogenetic location: 8q24.22.
Variant type: Indel.
Coding change: c.354_355delinsAA on transcript NM_004519.4 (MANE Select); coding-DNA positions 354 to 355, GC replaced by AA.
Protein change: p.Pro118_Arg119=.
Molecular consequence: synonymous variant.
Genome position (GRCh38, 1-based): chr8:132,480,178-132,480,179, GC replaced by TT on the plus strand (GC replaced by AA on the coding strand, the reverse complement: KCNQ3 is on the minus strand). VCF-style: chr8-132480178-GC-TT. GRCh37 (hg19) VCF-style: chr8-133492425-GC-TT.
Identifiers: ClinVar variation 4717255 (VCV004717255.1).

ClinVar aggregate classification (germline): Uncertain significance (1 of 4 stars; one submission).

Conditions:
Benign neonatal seizures. Also called: Benign familial neonatal epilepsy; Benign familial neonatal seizures; Convulsions benign familial neonatal dominant form; Autosomal dominant form of benign neonatal seizures; Benign neonatal familial convulsions. Identifiers: Orphanet 1949, MedGen C0220669, MONDO:0016027.

Submission:

Labcorp Genetics (formerly Invitae), Labcorp
Classification: Uncertain significance for Benign neonatal seizures. Last evaluated: 2025-06-04. Review status: criteria provided, single submitter. Criteria: Invitae Variant Classification Sherloc (09022015). Collection method: clinical testing. Allele origin: germline.
Comment: This sequence change affects codon 118 of the KCNQ3 mRNA. It is a 'silent' change, meaning that it does not change the encoded amino acid sequence of the KCNQ3 protein. Information on the frequency of this variant in the gnomAD database is not available, as this variant may be reported differently in the database. This variant has not been reported in the literature in individuals affected with KCNQ3-related conditions. Experimental studies and prediction algorithms are not available or were not evaluated, and the functional significance of this variant is currently unknown. In summary, the available evidence is currently insufficient to determine the role of this variant in disease. Therefore, it has been classified as a Variant of Uncertain Significance.